The following is an entry in ClinVar:

ClinVar aggregate classification (germline): Uncertain significance (1 of 4 stars; one submission).

Conditions:
Early Myoclonic Encephalopathy. Identifiers: MedGen C0270855.

Allele frequency attached by ClinVar (database versions not stated): ExAC 0.00007; gnomAD 0.00001; gnomAD exomes 0.00004.
gnomAD v4.1: 62 of 1,613,926 alleles (0.0038%); highest among the groups gnomAD compares: South Asian, 0.055%; 1 homozygote.

Submission:

Labcorp Genetics (formerly Invitae), Labcorp
Classification: Uncertain significance for Early Myoclonic Encephalopathy. Last evaluated: 2023-09-07. Review status: criteria provided, single submitter. Criteria: Invitae Variant Classification Sherloc (09022015). Collection method: clinical testing. Allele origin: germline.
Comment: In summary, the available evidence is currently insufficient to determine the role of this variant in disease. Therefore, it has been classified as a Variant of Uncertain Significance. Advanced modeling of protein sequence and biophysical properties (such as structural, functional, and spatial information, amino acid conservation, physicochemical variation, residue mobility, and thermodynamic stability) performed at Invitae indicates that this missense variant is not expected to disrupt JMJD1C protein function. This variant has not been reported in the literature in individuals affected with JMJD1C-related conditions. This variant is present in population databases (rs758979265, gnomAD 0.06%), and has an allele count higher than expected for a pathogenic variant. This sequence change replaces histidine, which is basic and polar, with arginine, which is basic and polar, at codon 788 of the JMJD1C protein (p.His788Arg).

NM_032776.3(JMJD1C):c.2363A>G (p.His788Arg)

Gene: JMJD1C (jumonji domain containing 1C; minus strand). Cytogenetic location: 10q21.3.
Variant type: single nucleotide variant.
Coding change: c.2363A>G on transcript NM_032776.3 (MANE Select); coding-DNA position 2363, A replaced by G.
Protein change: p.His788Arg; replaces histidine 788 with arginine.
Molecular consequence: missense variant. On other transcripts: non-coding transcript variant (1).
Genome position (GRCh38, 1-based): chr10:63,213,804, T>C on the plus strand (A>G on the coding strand, the complement: JMJD1C is on the minus strand). VCF-style: chr10-63213804-T-C. GRCh37 (hg19) VCF-style: chr10-64973564-T-C.
Other names: c.1817A>G, p.His606Arg (NM_001282948.2, NM_001318154.2); c.1499A>G, p.His500Arg (NM_001318153.2); c.2249A>G, p.His750Arg (NM_001322252.2); c.1706A>G, p.His569Arg (NM_001322254.2, NM_001322258.2); short protein forms H606R, H500R, H750R, H788R, H569R.
Identifiers: ClinVar variation 2917472 (VCV002917472.3), dbSNP rs758979265, ClinGen allele CA5518644.